The following is an entry in ClinVar:

ClinVar aggregate classification (germline): Uncertain significance (1 of 4 stars; one submission).

Submission:

Labcorp Genetics (formerly Invitae), Labcorp
Classification: Uncertain significance. Last evaluated: 2023-08-07. Review status: criteria provided, single submitter. Criteria: Invitae Variant Classification Sherloc (09022015). Collection method: clinical testing. Allele origin: germline.
Comment: Algorithms developed to predict the effect of missense changes on protein structure and function output the following: SIFT: "Not Available"; PolyPhen-2: "Benign"; Align-GVGD: "Not Available". The proline amino acid residue is found in multiple mammalian species, which suggests that this missense change does not adversely affect protein function. In summary, the available evidence is currently insufficient to determine the role of this variant in disease. Therefore, it has been classified as a Variant of Uncertain Significance. This variant has not been reported in the literature in individuals affected with ATP13A3-related conditions. This sequence change replaces histidine, which is basic and polar, with proline, which is neutral and non-polar, at codon 1038 of the ATP13A3 protein (p.His1038Pro). This variant is not present in population databases (gnomAD no frequency).

NM_001367549.1(ATP13A3):c.3113A>C (p.His1038Pro)

Gene: ATP13A3 (ATPase 13A3; minus strand). Cytogenetic location: 3q29.
Variant type: single nucleotide variant.
Coding change: c.3113A>C on transcript NM_001367549.1 (MANE Select); coding-DNA position 3113, A replaced by C.
Protein change: p.His1038Pro; replaces histidine 1038 with proline.
Molecular consequence: missense variant. On other transcripts: non-coding transcript variant (2).
Genome position (GRCh38, 1-based): chr3:194,427,087, T>G on the plus strand (A>C on the coding strand, the complement: ATP13A3 is on the minus strand). VCF-style: chr3-194427087-T-G. GRCh37 (hg19) VCF-style: chr3-194147816-T-G.
Other names: c.3032A>C, p.His1011Pro (NM_001374836.1); c.3113A>C, p.His1038Pro (NM_024524.4); short protein forms H1011P, H1038P.
Identifiers: ClinVar variation 2866209 (VCV002866209.3), dbSNP rs2474276972, ClinGen allele CA355800047.
Genomic context (GRCh38, chr3:194,427,087, plus strand): 5'-ATGTTGCACATATTTTATATAGATTTTTACATAGATTGACCAACTTACTCTGATTTTGGA[T>G]GCCACACTTCATACCAAGGTTGCTGTTTGACCCAAAAAAAACCCAAAGATTGAAATCCAA-3'
Protein context (NP_001354478.1, residues 1028-1048): VKQQPWYEVW[His1038Pro]PKSDACNTTG